The following is an entry in ClinVar:

NM_000141.5(FGFR2):c.399T>C (p.Asp133=)

Gene: FGFR2 (fibroblast growth factor receptor 2; minus strand). Cytogenetic location: 10q26.13.
Variant type: single nucleotide variant.
Coding change: c.399T>C on transcript NM_000141.5 (MANE Select); coding-DNA position 399, T replaced by C.
Protein change: p.Asp133=; no amino-acid change (aspartic acid 133 retained).
Molecular consequence: synonymous variant. On other transcripts: intron variant (2).
Genome position (GRCh38, 1-based): chr10:121,564,557, A>G on the plus strand (T>C on the coding strand, the complement: FGFR2 is on the minus strand). VCF-style: chr10-121564557-A-G. GRCh37 (hg19) VCF-style: chr10-123324071-A-G.
Other names: c.399T>C, p.Asp133= (NM_001144913.1, NM_001144914.1, NM_001144917.2 and 2 more transcripts); c.132T>C, p.Asp44= (NM_001144915.2, NM_001144919.2, NM_023029.3); c.110-13098T>C (NM_001144918.2, NM_001144916.2).
Identifiers: ClinVar variation 2044336 (VCV002044336.28), dbSNP rs373155033, ClinGen allele CA5721147.

ClinVar aggregate classification (germline): Benign/Likely benign. Review status: criteria provided, multiple submitters, no conflicts (2 of 4 stars). 2 submissions from 2 submitters: Benign (1); Likely benign (1). Last evaluated 2026-01-13.

Conditions:
FGFR2-related craniosynostosis. Identifiers: MedGen CN231480.

Allele frequency attached by ClinVar (database versions not stated): ESP Exome Variant Server 0.00023; gnomAD 0.00024; TOPMed 0.00030.
gnomAD v4.1: 71 of 1,613,844 alleles (0.0044%); highest among the groups gnomAD compares: African/African-American, 0.073%; no homozygotes.

Submissions (2):

Labcorp Genetics (formerly Invitae), Labcorp
Classification: Benign for FGFR2-related craniosynostosis. Last evaluated: 2026-01-13. Review status: criteria provided, single submitter. Criteria: Invitae Variant Classification Sherloc (09022015). Collection method: clinical testing. Allele origin: germline.

CeGaT Center for Human Genetics Tuebingen
Classification: Likely benign. Last evaluated: 2023-04-01. Review status: criteria provided, single submitter. Criteria: CeGaT Center For Human Genetics Tuebingen Variant Classification Criteria Version 2. Collection method: clinical testing. Allele origin: germline. Affected: yes. Observed: 1 variant allele.
Comment: FGFR2: BP4, BP7